The following is an entry in ClinVar:

NM_001365480.1(CCDC88A):c.4612A>C (p.Asn1538His)

Gene: CCDC88A (coiled-coil and HOOK domain protein 88A; minus strand). Cytogenetic location: 2p16.1.
Variant type: single nucleotide variant.
Coding change: c.4612A>C on transcript NM_001365480.1 (MANE Select); coding-DNA position 4612, A replaced by C.
Protein change: p.Asn1538His; replaces asparagine 1538 with histidine.
Molecular consequence: missense variant.
Genome position (GRCh38, 1-based): chr2:55,301,932, T>G on the plus strand (A>C on the coding strand, the complement: CCDC88A is on the minus strand). VCF-style: chr2-55301932-T-G. GRCh37 (hg19) VCF-style: chr2-55529068-T-G.
Other names: c.4609A>C, p.Asn1537His (NM_001135597.2, NM_001254943.2); c.4528A>C, p.Asn1510His (NM_018084.5); short protein forms N1510H, N1537H, N1538H.
Identifiers: ClinVar variation 1503969 (VCV001503969.8), dbSNP rs1680945078, ClinGen allele CA346913714.

ClinVar aggregate classification (germline): Uncertain significance (1 of 4 stars; one submission).

Allele frequency attached by ClinVar (database versions not stated): gnomAD 0.00001.
gnomAD v4.1: 1 of 1,614,080 alleles (0.000062%); no homozygotes.

Submission:

Labcorp Genetics (formerly Invitae), Labcorp
Classification: Uncertain significance. Last evaluated: 2021-07-06. Review status: criteria provided, single submitter. Criteria: Invitae Variant Classification Sherloc (09022015). Collection method: clinical testing. Allele origin: germline.
Comment: This sequence change replaces asparagine with histidine at codon 1537 of the CCDC88A protein (p.Asn1537His). The asparagine residue is moderately conserved and there is a small physicochemical difference between asparagine and histidine. This variant is not present in population databases (ExAC no frequency). This variant has not been reported in the literature in individuals affected with CCDC88A-related conditions. Algorithms developed to predict the effect of missense changes on protein structure and function are either unavailable or do not agree on the potential impact of this missense change (SIFT: "Deleterious"; PolyPhen-2: "Probably Damaging"; Align-GVGD: "Class C0"). In summary, the available evidence is currently insufficient to determine the role of this variant in disease. Therefore, it has been classified as a Variant of Uncertain Significance.